The following is an entry in ClinVar:

NM_001042492.3(NF1):c.7241A>C (p.His2414Pro)

Gene: NF1 (neurofibromin 1; plus strand). Cytogenetic location: 17q11.2.
Variant type: single nucleotide variant.
Coding change: c.7241A>C on transcript NM_001042492.3 (MANE Select); coding-DNA position 7241, A replaced by C.
Protein change: p.His2414Pro; replaces histidine 2414 with proline.
Molecular consequence: missense variant.
Genome position (GRCh38, 1-based): chr17:31,349,171, A>C. VCF-style: chr17-31349171-A-C. GRCh37 (hg19) VCF-style: chr17-29676189-A-C.
Other names: c.7178A>C, p.His2393Pro (NM_000267.4); short protein forms H2393P, H2414P.
Identifiers: ClinVar variation 1002141 (VCV001002141.6), dbSNP rs876659855, ClinGen allele CA399016756.

ClinVar aggregate classification (germline): Uncertain significance. Review status: criteria provided, multiple submitters, no conflicts (2 of 4 stars). 2 submissions from 2 submitters: Uncertain significance (2). Last evaluated 2022-08-17.

Conditions:
Neurofibromatosis, type 1 (NF1). Also called: NEUROFIBROMATOSIS, TYPE I, SOMATIC; Peripheral type neurofibromatosis; VON RECKLINGHAUSEN DISEASE; Neurofibromatosis, type I. Identifiers: Orphanet 636, MedGen C0027831, MONDO:0018975, OMIM 162200. Disease mechanism: loss of function.

Submissions (2):

Medical Genetics, University of Parma
Classification: Uncertain significance for Neurofibromatosis, type 1. Last evaluated: 2022-08-17. Review status: criteria provided, single submitter. Criteria: ACMG Guidelines, 2015. Collection method: clinical testing. Allele origin: germline. Inheritance: Autosomal dominant inheritance. Affected: yes.

Labcorp Genetics (formerly Invitae), Labcorp
Classification: Uncertain significance for Neurofibromatosis, type 1. Last evaluated: 2020-09-01. Review status: criteria provided, single submitter. Criteria: Invitae Variant Classification Sherloc (09022015). Collection method: clinical testing. Allele origin: germline.
Comment: This variant has been observed in individual(s) with clinical features of neurofibromatosis (PMID: 29685074). This variant is also known as c.7241A>C (p.His2414Pro) in the literature. This sequence change replaces histidine with proline at codon 2393 of the NF1 protein (p.His2393Pro). The histidine residue is moderately conserved and there is a moderate physicochemical difference between histidine and proline. This variant is not present in population databases (ExAC no frequency). Algorithms developed to predict the effect of missense changes on protein structure and function are either unavailable or do not agree on the potential impact of this missense change (SIFT: "Deleterious"; PolyPhen-2: "Possibly Damaging"; Align-GVGD: "Class C0"). In summary, the available evidence is currently insufficient to determine the role of this variant in disease. Therefore, it has been classified as a Variant of Uncertain Significance.

Literature cited by the submitters: PubMed 29685074 (cited by Labcorp Genetics (formerly Invitae), Labcorp).